The following is an entry in ClinVar:

ClinVar aggregate classification (germline): Uncertain significance (1 of 4 stars; one submission).

Submission:

GeneDx
Classification: Uncertain significance. Last evaluated: 2024-08-09. Review status: criteria provided, single submitter. Criteria: GeneDx Variant Classification Process June 2021. Collection method: clinical testing. Allele origin: germline. Affected: yes.
Comment: Not observed at significant frequency in large population cohorts (gnomAD); In silico analysis indicates that this missense variant does not alter protein structure/function; Has not been previously published as pathogenic or benign to our knowledge

NM_014847.4(UBAP2L):c.1297G>A (p.Val433Met)

Gene: UBAP2L (ubiquitin associated protein 2 like; plus strand). Cytogenetic location: 1q21.3.
Variant type: single nucleotide variant.
Coding change: c.1297G>A on transcript NM_014847.4 (MANE Select); coding-DNA position 1297, G replaced by A.
Protein change: p.Val433Met; replaces valine 433 with methionine.
Molecular consequence: missense variant.
Genome position (GRCh38, 1-based): chr1:154,251,124, G>A. VCF-style: chr1-154251124-G-A. GRCh37 (hg19) VCF-style: chr1-154223600-G-A.
Other names: c.1297G>A, p.Val433Met (NM_001127320.3, NM_001375614.1, NM_001375615.1 and 14 more transcripts); c.1276G>A, p.Val426Met (NM_001287815.1); c.1330G>A, p.Val444Met (NM_001287816.1, NM_001330730.1, NM_001375612.1 and 2 more transcripts); short protein forms V426M, V433M, V444M.
Identifiers: ClinVar variation 3602903 (VCV003602903.1).